The following is an entry in ClinVar:

NM_145059.3(FCSK):c.400A>G (p.Met134Val)

Gene: FCSK (fucose kinase; plus strand). Cytogenetic location: 16q22.1.
Variant type: single nucleotide variant.
Coding change: c.400A>G on transcript NM_145059.3 (MANE Select); coding-DNA position 400, A replaced by G.
Protein change: p.Met134Val; replaces methionine 134 with valine.
Molecular consequence: missense variant.
Genome position (GRCh38, 1-based): chr16:70,466,246, A>G. VCF-style: chr16-70466246-A-G. GRCh37 (hg19) VCF-style: chr16-70500149-A-G.
Other names: short protein forms M134V.
Identifiers: ClinVar variation 1934477 (VCV001934477.5), dbSNP rs2048415423, ClinGen allele CA396562195.

ClinVar aggregate classification (germline): Uncertain significance (1 of 4 stars; one submission).

Submission:

Labcorp Genetics (formerly Invitae), Labcorp
Classification: Uncertain significance. Last evaluated: 2024-10-07. Review status: criteria provided, single submitter. Criteria: Invitae Variant Classification Sherloc (09022015). Collection method: clinical testing. Allele origin: germline.
Comment: This sequence change replaces methionine, which is neutral and non-polar, with valine, which is neutral and non-polar, at codon 134 of the FUK protein (p.Met134Val). This variant is not present in population databases (gnomAD no frequency). This variant has not been reported in the literature in individuals affected with FUK-related conditions. ClinVar contains an entry for this variant (Variation ID: 1934477). An algorithm developed to predict the effect of missense changes on protein structure and function (PolyPhen-2) suggests that this variant is likely to be tolerated. In summary, the available evidence is currently insufficient to determine the role of this variant in disease. Therefore, it has been classified as a Variant of Uncertain Significance.